The following is an entry in ClinVar:

NM_003482.4(KMT2D):c.15786C>T (p.Ala5262=)

Gene: KMT2D (lysine methyltransferase 2D; minus strand). Cytogenetic location: 12q13.12.
Variant type: single nucleotide variant.
Coding change: c.15786C>T on transcript NM_003482.4 (MANE Select); coding-DNA position 15786, C replaced by T.
Protein change: p.Ala5262=; no amino-acid change (alanine 5262 retained).
Molecular consequence: synonymous variant.
Genome position (GRCh38, 1-based): chr12:49,024,945, G>A on the plus strand (C>T on the coding strand, the complement: KMT2D is on the minus strand). VCF-style: chr12-49024945-G-A. GRCh37 (hg19) VCF-style: chr12-49418728-G-A.
Identifiers: ClinVar variation 2156265 (VCV002156265.7), dbSNP rs531361015, ClinGen allele CA6545489.

ClinVar aggregate classification (germline): Likely benign. Review status: criteria provided, multiple submitters, no conflicts (2 of 4 stars). 3 submissions from 3 submitters: Likely benign (2). 1 of the submissions does not count toward it. Last evaluated 2025-04-26.

Conditions:
KMT2D-related disorder. Also called: KMT2D-Related Disorders.
Kabuki syndrome. Also called: NIIKAWA-KUROKI SYNDROME; Kabuki make-up syndrome. Identifiers: Orphanet 2322, MedGen C0796004, MONDO:0016512.

Allele frequency attached by ClinVar (database versions not stated): TOPMed 0.00001 and 0.00003; gnomAD 0.00002 and 0.00003; gnomAD exomes 0.00002; ExAC 0.00004; 1000 Genomes Project 30x 0.00016; 1000 Genomes Project 0.00020.
gnomAD v4.1: 25 of 1,589,984 alleles (0.0016%); highest among the groups gnomAD compares: South Asian, 0.008%; no homozygotes.

Submissions (3):

Labcorp Genetics (formerly Invitae), Labcorp
Classification: Likely benign for Kabuki syndrome. Last evaluated: 2025-04-26. Review status: criteria provided, single submitter. Criteria: Invitae Variant Classification Sherloc (09022015). Collection method: clinical testing. Allele origin: germline.

Blueprint Genetics
Classification: Likely benign. Last evaluated: 2024-11-19. Review status: criteria provided, single submitter. Criteria: ACMG Guidelines, 2015. Collection method: clinical testing. Allele origin: germline.

PreventionGenetics, part of Exact Sciences
Classification: Likely benign for KMT2D-related condition. Last evaluated: 2023-10-20. Review status: no assertion criteria provided. Collection method: clinical testing. Allele origin: germline. Not counted in ClinVar's aggregate classification.
Comment: This variant is classified as likely benign based on ACMG/AMP sequence variant interpretation guidelines (Richards et al. 2015 PMID: 25741868, with internal and published modifications).